The following is an entry in ClinVar:

t(7;13)(q31.1;q13.2)

Genes: FOXP2 (forkhead box P2; plus strand), RFC3 (replication factor C subunit 3; plus strand). Cytogenetic location: 13q13.2.
Variant type: Translocation.
Identifiers: ClinVar variation 242955 (VCV000242955.2).

ClinVar aggregate classification (germline): Pathogenic (0 of 4 stars; one submission).

Conditions:
Childhood apraxia of speech (SPCH1). Also called: Speech language disorder; DEVELOPMENTAL VERBAL DYSPRAXIA; SPEECH AND LANGUAGE DISORDER WITH OROFACIAL DYSPRAXIA; FOXP2-Related Speech and Language Disorder. Identifiers: Orphanet 209908, MedGen C0750927, MONDO:0011184, OMIM 602081.

Submission:

GeneReviews
Classification: Pathogenic for Childhood apraxia of speech. Last evaluated: 2016-03-02. Review status: no assertion criteria provided. Collection method: literature only. Allele origin: germline. Affected: yes. Observed: 2 variant alleles.
Comment: Speech: CAS & spastic dysarthria Oromotor: No orofacial apraxia Language: Impaired expressive & receptive Cognition: Low Average

Literature cited by the submitters: PubMed 16787893; PubMed 19797137.